The following is an entry in ClinVar:

ClinVar aggregate classification (germline): Uncertain significance. Review status: criteria provided, multiple submitters, no conflicts (2 of 4 stars). 2 submissions from 2 submitters: Uncertain significance (2). Last evaluated 2023-03-22.

Conditions:
Cardiovascular phenotype. Identifiers: MedGen CN230736.
Long QT syndrome (LQTS). Identifiers: MedGen C0023976, MeSH D008133, MONDO:0002442. Disease mechanism: loss of function. Inheritance: Various modes of inheritance.

Allele frequency attached by ClinVar (database versions not stated): gnomAD exomes below 0.00001 and 0.00001; TOPMed below 0.00001.
gnomAD v4.1: 5 of 1,614,024 alleles (0.00031%); highest among the groups gnomAD compares: Non-Finnish European, 0.00042%; no homozygotes.

Submissions (2):

Labcorp Genetics (formerly Invitae), Labcorp
Classification: Uncertain significance for Long QT syndrome. Last evaluated: 2023-03-22. Review status: criteria provided, single submitter. Criteria: Invitae Variant Classification Sherloc (09022015). Collection method: clinical testing. Allele origin: germline.
Comment: In summary, the available evidence is currently insufficient to determine the role of this variant in disease. Therefore, it has been classified as a Variant of Uncertain Significance. An algorithm developed to predict the effect of missense changes on protein structure and function (PolyPhen-2) suggests that this variant is likely to be disruptive. ClinVar contains an entry for this variant (Variation ID: 839661). This variant has not been reported in the literature in individuals affected with AKAP9-related conditions. This variant is present in population databases (no rsID available, gnomAD 0.0009%). This sequence change replaces glutamic acid, which is acidic and polar, with aspartic acid, which is acidic and polar, at codon 3250 of the AKAP9 protein (p.Glu3250Asp).

Ambry Genetics
Classification: Uncertain significance for Cardiovascular phenotype. Last evaluated: 2021-07-04. Review status: criteria provided, single submitter. Criteria: Ambry Variant Classification Scheme 2023. Collection method: clinical testing. Allele origin: germline.
Comment: The p.E3250D variant (also known as c.9750G>C), located in coding exon 41 of the AKAP9 gene, results from a G to C substitution at nucleotide position 9750. The glutamic acid at codon 3250 is replaced by aspartic acid, an amino acid with highly similar properties. This amino acid position is conserved. In addition, this alteration is predicted to be tolerated by in silico analysis. Since supporting evidence is limited at this time, the clinical significance of this alteration remains unclear.

NM_005751.5(AKAP9):c.9750G>C (p.Glu3250Asp)

Gene: AKAP9 (A-kinase anchoring protein 9; plus strand). Cytogenetic location: 7q21.2.
Variant type: single nucleotide variant.
Coding change: c.9750G>C on transcript NM_005751.5 (MANE Select); coding-DNA position 9750, G replaced by C.
Protein change: p.Glu3250Asp; replaces glutamic acid 3250 with aspartic acid.
Molecular consequence: missense variant.
Genome position (GRCh38, 1-based): chr7:92,096,709, G>C. VCF-style: chr7-92096709-G-C. GRCh37 (hg19) VCF-style: chr7-91726023-G-C.
Other names: c.4395G>C, p.Glu1465Asp (NM_001379277.1); c.9726G>C, p.Glu3242Asp (NM_147185.3); short protein forms E3250D, E3242D, E1465D.
Identifiers: ClinVar variation 839661 (VCV000839661.11), dbSNP rs1304374666, ClinGen allele CA368151192.